The following is an entry in ClinVar:

ClinVar aggregate classification (germline): Likely benign (1 of 4 stars; one submission).

Conditions:
Leigh syndrome (NULS). Also called: Leigh's necrotizing encephalopathy; Leigh's disease; Leigh Syndrome (mtDNA deletion); Leigh Disease; Subacute necrotizing encephalopathy; Necrotizing encephalopathy infantile subacute of Leigh. Identifiers: Orphanet 506, MedGen C2931891, MONDO:0009723, OMIM 256000.

Submission:

Wong Mito Lab, Molecular and Human Genetics, Baylor College of Medicine
Classification: Likely benign for Leigh syndrome. Last evaluated: 2019-10-17. Review status: criteria provided, single submitter. Criteria: Modified ACMG Guidelines (Unpublished). Collection method: clinical testing. Allele origin: germline.
Comment: The NC_012920.1:m.7432A>T (YP_003024028.1:p.Tyr510Phe) variant in MTCO1 gene is interpretated to be a Likely Benign variant based on the modified ACMG guidelines (unpublished). This variant meets the following evidence codes: BS4, BP4

NC_012920.1(MT-CO1):m.7432A>T

Gene: MT-CO1 (mitochondrially encoded cytochrome c oxidase I; plus strand).
Variant type: single nucleotide variant.
Genome position: chrM-7432-A-T.
Identifiers: ClinVar variation 692745 (VCV000692745.1), dbSNP rs1603220958, ClinGen allele CA414792814.